The following is an entry in ClinVar:

NM_015512.5(DNAH1):c.5690A>G (p.Asn1897Ser)

Gene: DNAH1 (dynein axonemal heavy chain 1; plus strand). Cytogenetic location: 3p21.1.
Variant type: single nucleotide variant.
Coding change: c.5690A>G on transcript NM_015512.5 (MANE Select); coding-DNA position 5690, A replaced by G.
Protein change: p.Asn1897Ser; replaces asparagine 1897 with serine.
Molecular consequence: missense variant.
Genome position (GRCh38, 1-based): chr3:52,366,812, A>G. VCF-style: chr3-52366812-A-G. GRCh37 (hg19) VCF-style: chr3-52400828-A-G.
Other names: short protein forms N1897S.
Identifiers: ClinVar variation 707598 (VCV000707598.12), dbSNP rs138560279, ClinGen allele CA2434286.
Genomic context (GRCh38, chr3:52,366,812, plus strand): 5'-CTGCCATGACGTCACTGAAAGGGCAGCCATCCATCAGTGGTGGCATGTACGAGGCTGTCA[A>G]CTACTACGTGCTCAACCCCAAGTCCATCACGATGGGCCAGCTGTACGGGGAGTTTGACCT-3'
Protein context (NP_056327.4, residues 1887-1907): SISGGMYEAV[Asn1897Ser]YYVLNPKSIT

ClinVar aggregate classification (germline): Benign. Review status: criteria provided, single submitter (1 of 4 stars). 2 submissions from 2 submitters: Benign (1). 1 of the submissions does not count toward it. Last evaluated 2026-01-24.

Conditions:
Spermatogenic failure 18. Identifiers: MedGen C4539783, MONDO:0054615, OMIM 617576.
Ciliary dyskinesia, primary, 37 (CILD37). Also called: CILIARY DYSKINESIA, PRIMARY, 37, WITH OR WITHOUT SITUS INVERSUS. Identifiers: MedGen C4539798, MONDO:0033204, OMIM 617577.
DNAH1-related disorder. Also called: DNAH1-related condition.

Allele frequency attached by ClinVar (database versions not stated): 1000 Genomes Project 0.00160; gnomAD 0.00017 and 0.00025; 1000 Genomes Project 30x 0.00156; gnomAD exomes 0.00012 and 0.00053; TOPMed 0.00022; ExAC 0.00047.
gnomAD v4.1: 222 of 1,613,944 alleles (0.014%); highest among the groups gnomAD compares: East Asian, 0.43%; 2 homozygotes.

Submissions (2):

Labcorp Genetics (formerly Invitae), Labcorp
Classification: Benign for Ciliary dyskinesia, primary, 37; Spermatogenic failure 18. Last evaluated: 2026-01-24. Review status: criteria provided, single submitter. Criteria: Invitae Variant Classification Sherloc (09022015). Collection method: clinical testing. Allele origin: germline.

PreventionGenetics, part of Exact Sciences
Classification: Benign for DNAH1-related condition. Last evaluated: 2019-06-14. Review status: no assertion criteria provided. Collection method: clinical testing. Allele origin: germline. Not counted in ClinVar's aggregate classification.
Comment: This variant is classified as benign based on ACMG/AMP sequence variant interpretation guidelines (Richards et al. 2015 PMID: 25741868, with internal and published modifications).